The following is an entry in ClinVar:

NM_145045.5(ODAD3):c.456C>G (p.His152Gln)

Gene: ODAD3 (outer dynein arm docking complex subunit 3; minus strand). Cytogenetic location: 19p13.2.
Variant type: single nucleotide variant.
Coding change: c.456C>G on transcript NM_145045.5 (MANE Select); coding-DNA position 456, C replaced by G.
Protein change: p.His152Gln; replaces histidine 152 with glutamine.
Molecular consequence: missense variant.
Genome position (GRCh38, 1-based): chr19:11,427,029, G>C on the plus strand (C>G on the coding strand, the complement: ODAD3 is on the minus strand). VCF-style: chr19-11427029-G-C. GRCh37 (hg19) VCF-style: chr19-11537849-G-C.
Other names: c.294C>G, p.His98Gln (NM_001302453.1); c.378C>G, p.His126Gln (NM_001302454.2); c.456C>G (NM_145045.4); short protein forms H152Q, H98Q, H126Q.
Identifiers: ClinVar variation 2151744 (VCV002151744.2), dbSNP rs1429969024, ClinGen allele CA404125411.
Genomic context (GRCh38, chr19:11,427,029, plus strand): 5'-CACCACCTGGTGCCGCAGGGCGTTCTGCTGCTTCACCTTCTCCCTCAGCCGGTGGTCTAG[G>C]TGCTCCAGGGCCTGCCGCAAGGAGGGGAGCGAAAGCAGGAGCCTCAACACCCTACCCCGA-3'
Protein context (NP_659482.3, residues 142-162): LKNRTGQALE[His152Gln]LDHRLREKVK

ClinVar aggregate classification (germline): Uncertain significance. Review status: criteria provided, multiple submitters, no conflicts (2 of 4 stars). 2 submissions from 2 submitters: Uncertain significance (2). Last evaluated 2025-08-10.

Conditions:
Inborn genetic diseases. Identifiers: MedGen C0950123, MeSH D030342.
Primary ciliary dyskinesia 30. Also called: CILIARY DYSKINESIA, PRIMARY, 30, WITH OR WITHOUT SITUS INVERSUS. Identifiers: Orphanet 244, MedGen C4015016, MONDO:0014465, OMIM 616037.

Allele frequency attached by ClinVar (database versions not stated): gnomAD exomes below 0.00001.
gnomAD v4.1: 2 of 1,588,548 alleles (0.00013%); highest among the groups gnomAD compares: Admixed American, 0.0034%; no homozygotes.

Submissions (2):

Ambry Genetics
Classification: Uncertain significance for Inborn genetic diseases. Last evaluated: 2025-08-10. Review status: criteria provided, single submitter. Criteria: Ambry Variant Classification Scheme 2023. Collection method: clinical testing. Allele origin: germline.

Labcorp Genetics (formerly Invitae), Labcorp
Classification: Uncertain significance for Primary ciliary dyskinesia 30. Last evaluated: 2022-05-25. Review status: criteria provided, single submitter. Criteria: Invitae Variant Classification Sherloc (09022015). Collection method: clinical testing. Allele origin: germline.
Comment: This sequence change replaces histidine, which is basic and polar, with glutamine, which is neutral and polar, at codon 152 of the CCDC151 protein (p.His152Gln). This variant is present in population databases (no rsID available, gnomAD 0.006%). This variant has not been reported in the literature in individuals affected with CCDC151-related conditions. Algorithms developed to predict the effect of missense changes on protein structure and function are either unavailable or do not agree on the potential impact of this missense change (SIFT: "Tolerated"; PolyPhen-2: "Possibly Damaging"; Align-GVGD: "Class C0"). In summary, the available evidence is currently insufficient to determine the role of this variant in disease. Therefore, it has been classified as a Variant of Uncertain Significance.